The following is an entry in ClinVar:

NM_018943.3(TUBA8):c.1198G>A (p.Ala400Thr)

Gene: TUBA8 (tubulin alpha 8; plus strand). Cytogenetic location: 22q11.21.
Variant type: single nucleotide variant.
Coding change: c.1198G>A on transcript NM_018943.3 (MANE Select); coding-DNA position 1198, G replaced by A.
Protein change: p.Ala400Thr; replaces alanine 400 with threonine.
Molecular consequence: missense variant.
Genome position (GRCh38, 1-based): chr22:18,130,984, G>A. VCF-style: chr22-18130984-G-A. GRCh37 (hg19) VCF-style: chr22-18613751-G-A.
Other names: c.1000G>A, p.Ala334Thr (NM_001193414.2); c.1198G>A (NM_018943.2); short protein forms A400T, A334T.
Identifiers: ClinVar variation 2991306 (VCV002991306.4), dbSNP rs201907012, ClinGen allele CA10093867.

ClinVar aggregate classification (germline): Uncertain significance. Review status: criteria provided, multiple submitters, no conflicts (2 of 4 stars). 2 submissions from 2 submitters: Uncertain significance (2). Last evaluated 2025-08-18.

Allele frequency attached by ClinVar (database versions not stated): gnomAD exomes 0.00001; gnomAD 0.00001; TOPMed 0.00001; ExAC 0.00002.
gnomAD v4.1: 12 of 1,614,036 alleles (0.00074%); highest among the groups gnomAD compares: Admixed American, 0.005%; no homozygotes.

Submissions (2):

Labcorp Genetics (formerly Invitae), Labcorp
Classification: Uncertain significance. Last evaluated: 2025-08-18. Review status: criteria provided, single submitter. Criteria: Invitae Variant Classification Sherloc (09022015). Collection method: clinical testing. Allele origin: germline.
Comment: This sequence change replaces alanine, which is neutral and non-polar, with threonine, which is neutral and polar, at codon 400 of the TUBA8 protein (p.Ala400Thr). This variant is present in population databases (rs201907012, gnomAD 0.01%). This variant has not been reported in the literature in individuals affected with TUBA8-related conditions. ClinVar contains an entry for this variant (Variation ID: 2991306). Invitae Evidence Modeling of protein sequence and biophysical properties (such as structural, functional, and spatial information, amino acid conservation, physicochemical variation, residue mobility, and thermodynamic stability) indicates that this missense variant is not expected to disrupt TUBA8 protein function with a negative predictive value of 80%. In summary, the available evidence is currently insufficient to determine the role of this variant in disease. Therefore, it has been classified as a Variant of Uncertain Significance.

Ambry Genetics
Classification: Uncertain significance. Last evaluated: 2023-10-17. Review status: criteria provided, single submitter. Criteria: Ambry Variant Classification Scheme 2023. Collection method: clinical testing. Allele origin: germline.